The following is an entry in ClinVar:

NM_001366110.1(PAX4):c.139C>G (p.Leu47Val)

Gene: PAX4 (paired box 4; minus strand). Cytogenetic location: 7q32.1.
Variant type: single nucleotide variant.
Coding change: c.139C>G on transcript NM_001366110.1 (MANE Select); coding-DNA position 139, C replaced by G.
Protein change: p.Leu47Val; replaces leucine 47 with valine.
Molecular consequence: missense variant.
Genome position (GRCh38, 1-based): chr7:127,615,406, G>C on the plus strand (C>G on the coding strand, the complement: PAX4 is on the minus strand). VCF-style: chr7-127615406-G-C. GRCh37 (hg19) VCF-style: chr7-127255460-G-C.
Other names: c.139C>G, p.Leu47Val (NM_001366111.1); short protein forms L47V.
Identifiers: ClinVar variation 3665550 (VCV003665550.2).

ClinVar aggregate classification (germline): Uncertain significance (1 of 4 stars; one submission).

gnomAD v4.1: 8 of 1,614,072 alleles (0.0005%); highest among the groups gnomAD compares: Admixed American, 0.013%; no homozygotes.

Submission:

Labcorp Genetics (formerly Invitae), Labcorp
Classification: Uncertain significance. Last evaluated: 2024-12-31. Review status: criteria provided, single submitter. Criteria: Invitae Variant Classification Sherloc (09022015). Collection method: clinical testing. Allele origin: germline.
Comment: This sequence change replaces leucine, which is neutral and non-polar, with valine, which is neutral and non-polar, at codon 39 of the PAX4 protein (p.Leu39Val). This variant is present in population databases (rs759939065, gnomAD 0.02%). This variant has not been reported in the literature in individuals affected with PAX4-related conditions. An algorithm developed to predict the effect of missense changes on protein structure and function (PolyPhen-2) suggests that this variant is likely to be disruptive. In summary, the available evidence is currently insufficient to determine the role of this variant in disease. Therefore, it has been classified as a Variant of Uncertain Significance.